The following is an entry in ClinVar:

ClinVar aggregate classification (germline): Benign/Likely benign. Review status: criteria provided, multiple submitters, no conflicts (2 of 4 stars). 2 submissions from 2 submitters: Benign (1); Likely benign (1). Last evaluated 2025-11-13.

Conditions:
DCTN1-related disorder. Also called: DCTN1-related condition.
Neuronopathy, distal hereditary motor, type 7B. Also called: HMN VIIB; LOWER MOTOR NEURON DISEASE, DYNACTIN TYPE; NEURONOPATHY, DISTAL HEREDITARY MOTOR, AUTOSOMAL DOMINANT 14; NEURONOPATHY, DISTAL HEREDITARY MOTOR, HARDING TYPE VIIB; NEUROPATHY, DISTAL HEREDITARY MOTOR, HARDING TYPE VIIB; NEUROPATHY, DISTAL HEREDITARY MOTOR, WITH VOCAL CORD PARALYSIS, HARDING TYPE VIIB. Identifiers: Orphanet 139589, MedGen C1843315, MONDO:0011879, OMIM 607641.
Perry syndrome. Also called: PARKINSONISM WITH ALVEOLAR HYPOVENTILATION AND MENTAL DEPRESSION. Identifiers: Orphanet 178509, MedGen C1868594, MONDO:0008201, OMIM 168605.
Amyotrophic lateral sclerosis type 1 (ALS1). Also called: AMYOTROPHIC LATERAL SCLEROSIS 1, FAMILIAL. Identifiers: Orphanet 803, MedGen C1862939, MONDO:0007103, OMIM 105400.

Allele frequency attached by ClinVar (database versions not stated): TOPMed 0.00008; 1000 Genomes Project 30x 0.00016; 1000 Genomes Project 0.00020.
gnomAD v4.1: 139 of 1,614,154 alleles (0.0086%); highest among the groups gnomAD compares: South Asian, 0.092%; 6 homozygotes.

Submissions (2):

PreventionGenetics, part of Exact Sciences
Classification: Likely benign for DCTN1-related condition. Last evaluated: 2025-11-13. Review status: criteria provided, single submitter. Criteria: ACMG Guidelines, 2015. Collection method: clinical testing. Allele origin: germline.
Comment: This variant is classified as likely benign based on ACMG/AMP sequence variant interpretation guidelines (Richards et al. 2015 PMID: 25741868, with internal and published modifications).

Labcorp Genetics (formerly Invitae), Labcorp
Classification: Benign for Amyotrophic lateral sclerosis type 1; Neuronopathy, distal hereditary motor, type 7B; Perry syndrome. Last evaluated: 2025-09-21. Review status: criteria provided, single submitter. Criteria: Invitae Variant Classification Sherloc (09022015). Collection method: clinical testing. Allele origin: germline.

NM_004082.5(DCTN1):c.999C>T (p.Asp333=)

Gene: DCTN1 (dynactin subunit 1; minus strand). Cytogenetic location: 2p13.1.
Variant type: single nucleotide variant.
Coding change: c.999C>T on transcript NM_004082.5 (MANE Select); coding-DNA position 999, C replaced by T.
Protein change: p.Asp333=; no amino-acid change (aspartic acid 333 retained).
Molecular consequence: synonymous variant. On other transcripts: non-coding transcript variant (1).
Genome position (GRCh38, 1-based): chr2:74,370,670, G>A on the plus strand (C>T on the coding strand, the complement: DCTN1 is on the minus strand). VCF-style: chr2-74370670-G-A. GRCh37 (hg19) VCF-style: chr2-74597797-G-A.
Other names: c.939C>T, p.Asp313= (NM_001135040.3); c.597C>T, p.Asp199= (NM_001135041.3, NM_023019.4); c.888C>T, p.Asp296= (NM_001190836.2); c.978C>T, p.Asp326= (NM_001190837.2); c.948C>T, p.Asp316= (NM_001378991.1); c.930C>T, p.Asp310= (NM_001378992.1).
Identifiers: ClinVar variation 771985 (VCV000771985.12), dbSNP rs200952455, ClinGen allele CA1722274.